The following is an entry in ClinVar:

ClinVar aggregate classification (germline): Uncertain significance. Review status: criteria provided, multiple submitters, no conflicts (2 of 4 stars). 3 submissions from 3 submitters: Uncertain significance (3). Last evaluated 2026-04-27.

Conditions:
Inborn genetic diseases. Identifiers: MedGen C0950123, MeSH D030342.

Allele frequency attached by ClinVar (database versions not stated): gnomAD 0.00001; gnomAD exomes below 0.00001; TOPMed 0.00001.
gnomAD v4.1: 8 of 1,206,041 alleles (0.00066%); highest among the groups gnomAD compares: Non-Finnish European, 0.00045%; no homozygotes.

Submissions (3):

Ambry Genetics
Classification: Uncertain significance for Inborn genetic diseases. Last evaluated: 2026-04-27. Review status: criteria provided, single submitter. Criteria: Ambry Variant Classification Scheme 2023. Collection method: clinical testing. Allele origin: germline.

Labcorp Genetics (formerly Invitae), Labcorp
Classification: Uncertain significance. Last evaluated: 2025-12-19. Review status: criteria provided, single submitter. Criteria: Invitae Variant Classification Sherloc (09022015). Collection method: clinical testing. Allele origin: germline.
Comment: This sequence change replaces glycine, which is neutral and non-polar, with serine, which is neutral and polar, at codon 154 of the BRWD3 protein (p.Gly154Ser). This variant is not present in population databases (gnomAD no frequency). This variant has not been reported in the literature in individuals affected with BRWD3-related conditions. ClinVar contains an entry for this variant (Variation ID: 382859). Invitae Evidence Modeling of protein sequence and biophysical properties (such as structural, functional, and spatial information, amino acid conservation, physicochemical variation, residue mobility, and thermodynamic stability) indicates that this missense variant is expected to disrupt BRWD3 protein function with a positive predictive value of 80%. In summary, the available evidence is currently insufficient to determine the role of this variant in disease. Therefore, it has been classified as a Variant of Uncertain Significance.

GeneDx
Classification: Uncertain significance. Last evaluated: 2016-01-25. Review status: criteria provided, single submitter. Criteria: GeneDx Variant Classification (06012015). Collection method: clinical testing. Allele origin: germline. Affected: yes.
Comment: The G154S variant in the BRWD3 gene has not been reported previously as a pathogenic variant, nor as a benign variant, to our knowledge. The G154S variant was not observed in approximately 6,500 individuals of European and African American ancestry in the NHLBI Exome Sequencing Project, indicating it is not a common benign variant in these populations. The G154S variant is a non-conservative amino acid substitution, which is likely to impact secondary protein structure as these residues differ in polarity, charge, size and/or other properties. This substitution occurs at a position that is conserved across species. In silico analysis predicts this variant is probably damaging to the protein structure/function. We interpret G154S as a variant of uncertain significance.

NM_153252.5(BRWD3):c.460G>A (p.Gly154Ser)

Gene: BRWD3 (bromodomain and WD repeat domain containing 3; minus strand). Cytogenetic location: Xq21.1.
Variant type: single nucleotide variant.
Coding change: c.460G>A on transcript NM_153252.5 (MANE Select); coding-DNA position 460, G replaced by A.
Protein change: p.Gly154Ser; replaces glycine 154 with serine.
Molecular consequence: missense variant.
Genome position (GRCh38, 1-based): chrX:80,745,700, C>T on the plus strand (G>A on the coding strand, the complement: BRWD3 is on the minus strand). VCF-style: chrX-80745700-C-T. GRCh37 (hg19) VCF-style: chrX-80001199-C-T.
Other names: c.460G>A (NM_153252.4); short protein forms G154S.
Identifiers: ClinVar variation 382859 (VCV000382859.4), dbSNP rs1057521476, ClinGen allele CA16608968.